The following is an entry in ClinVar:

NM_001374828.1(ARID1B):c.4032C>T (p.Gly1344=)

Gene: ARID1B (AT-rich interaction domain 1B; plus strand). Cytogenetic location: 6q25.3.
Variant type: single nucleotide variant.
Coding change: c.4032C>T on transcript NM_001374828.1 (MANE Select); coding-DNA position 4032, C replaced by T.
Protein change: p.Gly1344=; no amino-acid change (glycine 1344 retained).
Molecular consequence: synonymous variant.
Genome position (GRCh38, 1-based): chr6:157,189,754, C>T. VCF-style: chr6-157189754-C-T. GRCh37 (hg19) VCF-style: chr6-157510888-C-T.
Other names: c.1533C>T, p.Gly511= (NM_001363725.2); c.3912C>T, p.Gly1304= (NM_001371656.1, NM_001374820.1); c.4161C>T, p.Gly1387= (NM_001438482.1); c.4074C>T, p.Gly1358= (NM_001438483.1); c.3942C>T, p.Gly1314= (NM_001438485.1); c.3915C>T, p.Gly1305= (NM_001438486.1); c.3852C>T, p.Gly1284= (NM_001438487.1); c.1374C>T, p.Gly458= (NM_001438488.1); and 1 more.
Identifiers: ClinVar variation 4823826 (VCV004823826.4).

ClinVar aggregate classification (germline): Likely benign (1 of 4 stars; one submission).

Submission:

CeGaT Center for Human Genetics Tuebingen
Classification: Likely benign. Last evaluated: 2026-03-01. Review status: criteria provided, single submitter. Criteria: CeGaT Center For Human Genetics Tuebingen Variant Classification Criteria Version 2. Collection method: clinical testing. Allele origin: germline. Affected: yes. Observed: 1 variant allele.
Comment: ARID1B: PM2:Supporting, BP4, BP7